The following is an entry in ClinVar:

ClinVar aggregate classification (germline): Uncertain significance (1 of 4 stars; one submission).

Allele frequency attached by ClinVar (database versions not stated): gnomAD 0.00001; gnomAD exomes 0.00001; TOPMed 0.00001.
gnomAD v4.1: 9 of 1,613,784 alleles (0.00056%); highest among the groups gnomAD compares: Non-Finnish European, 0.00076%; no homozygotes.

Submission:

Labcorp Genetics (formerly Invitae), Labcorp
Classification: Uncertain significance. Last evaluated: 2023-12-19. Review status: criteria provided, single submitter. Criteria: Invitae Variant Classification Sherloc (09022015). Collection method: clinical testing. Allele origin: germline.
Comment: This sequence change replaces glutamic acid, which is acidic and polar, with lysine, which is basic and polar, at codon 198 of the OTOA protein (p.Glu198Lys). This variant is not present in population databases (gnomAD no frequency). This variant has not been reported in the literature in individuals affected with OTOA-related conditions. An algorithm developed to predict the effect of missense changes on protein structure and function (PolyPhen-2) suggests that this variant is likely to be tolerated. In summary, the available evidence is currently insufficient to determine the role of this variant in disease. Therefore, it has been classified as a Variant of Uncertain Significance.

NM_144672.4(OTOA):c.592G>A (p.Glu198Lys)

Gene: OTOA (otoancorin). Cytogenetic location: 16p12.2.
Variant type: single nucleotide variant.
Coding change: c.592G>A on transcript NM_144672.4 (MANE Select); coding-DNA position 592, G replaced by A.
Protein change: p.Glu198Lys; replaces glutamic acid 198 with lysine.
Molecular consequence: missense variant.
Genome position (GRCh38, 1-based): chr16:21,687,605, G>A. VCF-style: chr16-21687605-G-A. GRCh37 (hg19) VCF-style: chr16-21698926-G-A.
Other names: c.355G>A, p.Glu119Lys (NM_001161683.2); short protein forms E198K, E119K.
Identifiers: ClinVar variation 2966418 (VCV002966418.3), dbSNP rs968008319, ClinGen allele CA279395940.
Genomic context (GRCh38, chr16:21,687,605, plus strand): 5'-GAGATCCTGGGCAAGGTGCTGAGGGGGTCCTCAGGGAGCTTTCTCCAGCCAGACATCACA[G>A]AGCGGCTCCCTCGGGACCTGCGCGAGGATGCCTTTAAGAACCTGTGAGTGGTTCCTCCGA-3'
Protein context (NP_653273.3, residues 188-208): SGSFLQPDIT[Glu198Lys]RLPRDLREDA